The following is an entry in ClinVar:

ClinVar aggregate classification (germline): Benign. Review status: criteria provided, multiple submitters, no conflicts (2 of 4 stars). 5 submissions from 5 submitters: Benign (5). Last evaluated 2026-01-05.

Conditions:
ATP2C1-related disorder. Also called: ATP2C1-related condition.
Familial benign pemphigus (HHD). Identifiers: Orphanet 2841, MedGen C0085106, MONDO:0008218, OMIM 169600.

Allele frequency attached by ClinVar (database versions not stated): gnomAD 0.03154 and 0.02935; TOPMed 0.03204; ESP Exome Variant Server 0.03383; gnomAD exomes 0.00382 and 0.00929; ExAC 0.01034; 1000 Genomes Project 0.02776; 1000 Genomes Project 30x 0.03123.
gnomAD v4.1: 10,342 of 1,614,006 alleles (0.64%); highest among the groups gnomAD compares: African/African-American, 9.6%; 389 homozygotes.

Submissions (5):

Labcorp Genetics (formerly Invitae), Labcorp
Classification: Benign. Last evaluated: 2026-01-05. Review status: criteria provided, single submitter. Criteria: Invitae Variant Classification Sherloc (09022015). Collection method: clinical testing. Allele origin: germline.

PreventionGenetics, part of Exact Sciences
Classification: Benign for ATP2C1-related condition. Last evaluated: 2024-11-13. Review status: criteria provided, single submitter. Criteria: ACMG Guidelines, 2015. Collection method: clinical testing. Allele origin: germline.
Comment: This variant is classified as benign based on ACMG/AMP sequence variant interpretation guidelines (Richards et al. 2015 PMID: 25741868, with internal and published modifications).

GeneDx
Classification: Benign. Last evaluated: 2020-08-03. Review status: criteria provided, single submitter. Criteria: GeneDx Variant Classification Process June 2021. Collection method: clinical testing. Allele origin: germline. Affected: yes.

Illumina Laboratory Services, Illumina
Classification: Benign for Familial benign pemphigus. Last evaluated: 2018-01-12. Review status: criteria provided, single submitter. Criteria: ICSL Variant Classification Criteria 13 December 2019. Collection method: clinical testing. Allele origin: germline.
Comment: This variant was observed in the ICSL laboratory as part of a predisposition screen in an ostensibly healthy population. It had not been previously curated by ICSL or reported in the Human Gene Mutation Database (HGMD: prior to June 1st, 2018), and was therefore a candidate for classification through an automated scoring system. Utilizing variant allele frequency, disease prevalence and penetrance estimates, and inheritance mode, an automated score was calculated to assess if this variant is too frequent to cause the disease. Based on the score and internal cut-off values, a variant classified as benign is not then subjected to further curation. The score for this variant resulted in a classification of benign for this disease.

Breakthrough Genomics
Classification: Benign. Review status: criteria provided, single submitter. Criteria: ACMG Guidelines, 2015. Collection method: not provided. Allele origin: germline. Inheritance: Autosomal dominant inheritance. Affected: yes.

NM_001378687.1(ATP2C1):c.636G>A (p.Ser212=)

Gene: ATP2C1 (ATPase secretory pathway Ca2+ transporting 1; plus strand). Cytogenetic location: 3q22.1.
Variant type: single nucleotide variant.
Coding change: c.636G>A on transcript NM_001378687.1 (MANE Select); coding-DNA position 636, G replaced by A.
Protein change: p.Ser212=; no amino-acid change (serine 212 retained).
Molecular consequence: synonymous variant.
Genome position (GRCh38, 1-based): chr3:130,953,925, G>A. VCF-style: chr3-130953925-G-A. GRCh37 (hg19) VCF-style: chr3-130672769-G-A.
Other names: c.636G>A, p.Ser212= (NM_001001485.3, NM_001001486.2, NM_001001487.2 and 5 more transcripts); c.738G>A, p.Ser246= (NM_001199180.2, NM_001199181.3, NM_001378511.1); c.621G>A, p.Ser207= (NM_001199182.2); c.588G>A, p.Ser196= (NM_001199183.2, NM_001199184.3, NM_001378514.1).
Identifiers: ClinVar variation 343323 (VCV000343323.15), dbSNP rs6810181, ClinGen allele CA2614879.